The following is an entry in ClinVar:

NM_000455.5(STK11):c.305T>C (p.Leu102Pro)

Gene: STK11 (serine/threonine kinase 11; plus strand). Cytogenetic location: 19p13.3.
Variant type: single nucleotide variant.
Coding change: c.305T>C on transcript NM_000455.5 (MANE Select); coding-DNA position 305, T replaced by C.
Protein change: p.Leu102Pro; replaces leucine 102 with proline.
Molecular consequence: missense variant.
Genome position (GRCh38, 1-based): chr19:1,218,431, T>C. VCF-style: chr19-1218431-T-C. GRCh37 (hg19) VCF-style: chr19-1218430-T-C.
Other names: short protein forms L102P.
Identifiers: ClinVar variation 485012 (VCV000485012.6), dbSNP rs1555737397, ClinGen allele CA402947660.

ClinVar aggregate classification (germline): Uncertain significance (1 of 4 stars; one submission).

Conditions:
Hereditary cancer-predisposing syndrome. Also called: Neoplastic Syndromes, Hereditary; Tumor predisposition; Hereditary Cancer Syndrome; Hereditary neoplastic syndrome. Identifiers: Orphanet 140162, MedGen C0027672, MeSH D009386, MONDO:0015356.

Submission:

Ambry Genetics
Classification: Uncertain significance for Hereditary cancer-predisposing syndrome. Last evaluated: 2025-08-20. Review status: criteria provided, single submitter. Criteria: Ambry Variant Classification Scheme 2023. Collection method: clinical testing. Allele origin: germline.
Comment: The p.L102P variant (also known as c.305T>C), located in coding exon 2 of the STK11 gene, results from a T to C substitution at nucleotide position 305. The leucine at codon 102 is replaced by proline, an amino acid with similar properties. This amino acid position is highly conserved in available vertebrate species. In addition, this alteration is predicted to be deleterious by in silico analysis. Based on the available evidence, the clinical significance of this variant remains unclear.